The following is an entry in ClinVar:

NM_022497.5(MRPS25):c.42A>G (p.Gln14=)

Gene: MRPS25 (mitochondrial ribosomal protein S25; minus strand). Cytogenetic location: 3p25.1.
Variant type: single nucleotide variant.
Coding change: c.42A>G on transcript NM_022497.5 (MANE Select); coding-DNA position 42, A replaced by G.
Protein change: p.Gln14=; no amino-acid change (glutamine 14 retained).
Molecular consequence: synonymous variant. On other transcripts: non-coding transcript variant (2).
Genome position (GRCh38, 1-based): chr3:15,065,153, T>C on the plus strand (A>G on the coding strand, the complement: MRPS25 is on the minus strand). VCF-style: chr3-15065153-T-C. GRCh37 (hg19) VCF-style: chr3-15106660-T-C.
Other names: p.Gln14=.
Identifiers: ClinVar variation 4684679 (VCV004684679.1).

ClinVar aggregate classification (germline): Likely benign (1 of 4 stars; one submission).

Submission:

Mayo Clinic Laboratories, Mayo Clinic
Classification: Likely benign. Last evaluated: 2025-10-01. Review status: criteria provided, single submitter. Criteria: ACMG Guidelines, 2015. Collection method: clinical testing. Allele origin: germline. Observed: 1 variant allele.
Comment: BP4, BP7